The following is an entry in ClinVar:

ClinVar aggregate classification (germline): Uncertain significance (1 of 4 stars; one submission).

Conditions:
Hereditary cancer-predisposing syndrome. Also called: Tumor predisposition; Neoplastic Syndromes, Hereditary; Hereditary neoplastic syndrome; Hereditary Cancer Syndrome. Identifiers: Orphanet 140162, MedGen C0027672, MeSH D009386, MONDO:0015356.

Submission:

Ambry Genetics
Classification: Uncertain significance for Hereditary cancer-predisposing syndrome. Last evaluated: 2025-08-27. Review status: criteria provided, single submitter. Criteria: Ambry Variant Classification Scheme 2023. Collection method: clinical testing. Allele origin: germline.
Comment: The p.T468P variant (also known as c.1402A>C), located in coding exon 14 of the MUTYH gene, results from an A to C substitution at nucleotide position 1402. The threonine at codon 468 is replaced by proline, an amino acid with highly similar properties. This amino acid position is conserved. In addition, this alteration is predicted to be tolerated by in silico analysis. Based on the available evidence, the clinical significance of this variant remains unclear.

NM_001048174.2(MUTYH):c.1318A>C (p.Thr440Pro)

Gene: MUTYH (mutY DNA glycosylase; minus strand). Cytogenetic location: 1p34.1.
Variant type: single nucleotide variant.
Coding change: c.1318A>C on transcript NM_001048174.2 (MANE Select); coding-DNA position 1318, A replaced by C.
Protein change: p.Thr440Pro; replaces threonine 440 with proline.
Molecular consequence: missense variant. On other transcripts: non-coding transcript variant (7).
Genome position (GRCh38, 1-based): chr1:45,331,256, T>G on the plus strand (A>C on the coding strand, the complement: MUTYH is on the minus strand). VCF-style: chr1-45331256-T-G. GRCh37 (hg19) VCF-style: chr1-45796928-T-G.
Other names: c.1318A>C, p.Thr440Pro (NM_001048171.2, NM_001048173.2, NM_001293195.2 and 6 more transcripts); c.1321A>C, p.Thr441Pro (NM_001048172.2, NM_001407086.1, NM_001407071.1 and 1 more transcripts); c.1402A>C, p.Thr468Pro (NM_001128425.2); c.1363A>C, p.Thr455Pro (NM_001293190.2); c.1351A>C, p.Thr451Pro (NM_001293191.2, NM_001407069.1, NM_001407077.1); c.1042A>C, p.Thr348Pro (NM_001293192.2, NM_001293196.2, NM_001407091.1); c.1276A>C, p.Thr426Pro (NM_001407080.1); c.973A>C, p.Thr325Pro (NM_001350650.2, NM_001407082.1, NM_001350651.2); and 5 more; short protein forms T325P, T412P, T348P, T427P, T440P, T447P, T454P, T455P.
Identifiers: ClinVar variation 4113218 (VCV004113218.1).